The following is an entry in ClinVar:

ClinVar aggregate classification (germline): Uncertain significance (1 of 4 stars; one submission).

Submission:

Labcorp Genetics (formerly Invitae), Labcorp
Classification: Uncertain significance. Last evaluated: 2023-11-13. Review status: criteria provided, single submitter. Criteria: Invitae Variant Classification Sherloc (09022015). Collection method: clinical testing. Allele origin: germline.
Comment: This sequence change replaces leucine, which is neutral and non-polar, with phenylalanine, which is neutral and non-polar, at codon 290 of the SERPING1 protein (p.Leu290Phe). This variant is not present in population databases (gnomAD no frequency). This variant has not been reported in the literature in individuals affected with SERPING1-related conditions. Advanced modeling of protein sequence and biophysical properties (such as structural, functional, and spatial information, amino acid conservation, physicochemical variation, residue mobility, and thermodynamic stability) has been performed at Invitae for this missense variant, however the output from this modeling did not meet the statistical confidence thresholds required to predict the impact of this variant on SERPING1 protein function. In summary, the available evidence is currently insufficient to determine the role of this variant in disease. Therefore, it has been classified as a Variant of Uncertain Significance.

NM_000062.3(SERPING1):c.868C>T (p.Leu290Phe)

Gene: SERPING1 (serpin family G member 1; plus strand). Cytogenetic location: 11q12.1.
Variant type: single nucleotide variant.
Coding change: c.868C>T on transcript NM_000062.3 (MANE Select); coding-DNA position 868, C replaced by T.
Protein change: p.Leu290Phe; replaces leucine 290 with phenylalanine.
Molecular consequence: missense variant.
Genome position (GRCh38, 1-based): chr11:57,606,192, C>T. VCF-style: chr11-57606192-C-T. GRCh37 (hg19) VCF-style: chr11-57373665-C-T.
Other names: c.868C>T, p.Leu290Phe (NM_001032295.2); short protein forms L290F.
Identifiers: ClinVar variation 2889483 (VCV002889483.3), dbSNP rs2495441252, ClinGen allele CA380699722.